The following is an entry in ClinVar:

ClinVar aggregate classification (germline): Uncertain significance. Review status: criteria provided, multiple submitters, no conflicts (2 of 4 stars). 3 submissions from 3 submitters: Uncertain significance (3). Last evaluated 2024-02-05.

Conditions:
Hereditary cancer-predisposing syndrome. Also called: Neoplastic Syndromes, Hereditary; Hereditary neoplastic syndrome; Tumor predisposition; Hereditary Cancer Syndrome. Identifiers: Orphanet 140162, MedGen C0027672, MeSH D009386, MONDO:0015356.
Familial cancer of breast. Also called: BREAST CANCER, FAMILIAL; hereditary breast carcinoma; Hereditary breast cancer. Identifiers: Orphanet 227535, MedGen C0346153, MONDO:0016419, OMIM 114480. Disease mechanism: loss of function.
Bone osteosarcoma. Also called: Osteosarcoma, somatic. Identifiers: Orphanet 668, MedGen C0585442, MONDO:0002629, OMIM 259500.
Colorectal cancer. Also called: Malignant Colorectal Neoplasm; Colorectal cancer, somatic. Identifiers: MedGen C0346629, MONDO:0005575, OMIM 114500.
Prostate cancer. Also called: Malignant tumor of prostate. Identifiers: Orphanet 1331, MedGen C0376358, MONDO:0008315, HP:0012125.
CHEK2-related cancer predisposition (TPDS4). Also called: CHEK2-related cancer susceptibility; TUMOR PREDISPOSITION SYNDROME 4; CANCER PREDISPOSITION SYNDROME, CHEK2-RELATED. Identifiers: Orphanet 524, MedGen C5882668, MONDO:0700271, OMIM 609265.

Submissions (3):

Labcorp Genetics (formerly Invitae), Labcorp
Classification: Uncertain significance for Familial cancer of breast. Last evaluated: 2024-02-05. Review status: criteria provided, single submitter. Criteria: Invitae Variant Classification Sherloc (09022015). Collection method: clinical testing. Allele origin: germline.
Comment: This variant, c.752_754del, results in the deletion of 1 amino acid(s) of the CHEK2 protein (p.Ile251del), but otherwise preserves the integrity of the reading frame. This variant is not present in population databases (gnomAD no frequency). This variant has not been reported in the literature in individuals affected with CHEK2-related conditions. ClinVar contains an entry for this variant (Variation ID: 662013). Experimental studies and prediction algorithms are not available or were not evaluated, and the functional significance of this variant is currently unknown. In summary, the available evidence is currently insufficient to determine the role of this variant in disease. Therefore, it has been classified as a Variant of Uncertain Significance.

Ambry Genetics
Classification: Uncertain significance for Hereditary cancer-predisposing syndrome. Last evaluated: 2023-11-20. Review status: criteria provided, single submitter. Criteria: Ambry Variant Classification Scheme 2023. Collection method: clinical testing. Allele origin: germline.
Comment: The c.752_754delTCA variant (also known as p.I251del) is located in coding exon 5 of the CHEK2 gene. This variant results from an in-frame TCA deletion at nucleotide positions 752 to 754. This results in the in-frame deletion of an isoleucine at codon 251. This amino acid position is highly conserved in available vertebrate species. In addition, this alteration is predicted to be deleterious by in silico analysis (Choi Y et al. PLoS ONE. 2012; 7(10):e46688). Since supporting evidence is limited at this time, the clinical significance of this alteration remains unclear.

Fulgent Genetics
Classification: Uncertain significance for Familial cancer of breast; Colorectal cancer; Familial prostate cancer; Bone osteosarcoma; CHEK2-related cancer predisposition. Last evaluated: 2022-05-27. Review status: criteria provided, single submitter. Criteria: ACMG Guidelines, 2015. Collection method: clinical testing. Allele origin: unknown.

NM_007194.4(CHEK2):c.749TCA[1] (p.Ile251del)

Gene: CHEK2 (checkpoint kinase 2; minus strand). Cytogenetic location: 22q12.1.
Variant type: Microsatellite.
Coding change: c.749TCA[1] on transcript NM_007194.4 (MANE Select); one copy of the 3-base unit TCA starting at c.749; the reference has two copies in a row; one copy, 3 bases deleted; also written c.752_754del.
Protein change: p.Ile251del; deletes isoleucine 251.
Molecular consequence: inframe deletion. On other transcripts: inframe indel (4).
Genome position (GRCh38, 1-based): chr22:28,711,947-28,711,949, TGA deleted on the plus strand (TCA on the coding strand, the reverse complement: CHEK2 is on the minus strand); deleting any 3 consecutive bases within chr22:28,711,947-28,711,953 gives the same sequence; the position shown is the placement nearest the transcript's 3' end. VCF-style (leftmost placement, unchanged base first): chr22-28711946-CTGA-C. GRCh37 (hg19) VCF-style: chr22-29107934-CTGA-C.
Other names: c.752_754del (NM_007194.3, NM_007194.4); c.877_879ATC[1], p.Ile294del (NM_001005735.3); c.85_87ATC[1], p.Ile30del (NM_001257387.3); c.547_549ATC[1], p.Ile184del (NM_001349956.3); c.748_750ATC[1], p.Ile251del (NM_145862.3); short protein forms I251del, I30del, I294del, I184del.
Identifiers: ClinVar variation 662013 (VCV000662013.14), dbSNP rs1601783129, ClinGen allele CA915952861.